The following is an entry in ClinVar:

ClinVar aggregate classification (germline): Uncertain significance (1 of 4 stars; one submission).

Conditions:
Inborn genetic diseases. Identifiers: MedGen C0950123, MeSH D030342.

Submission:

Ambry Genetics
Classification: Uncertain significance for Inborn genetic diseases. Last evaluated: 2023-09-27. Review status: criteria provided, single submitter. Criteria: Ambry Variant Classification Scheme 2023. Collection method: clinical testing. Allele origin: germline.
Comment: The p.P785R variant (also known as c.2354C>G), located in coding exon 15 of the EPAS1 gene, results from a C to G substitution at nucleotide position 2354. The proline at codon 785 is replaced by arginine, an amino acid with dissimilar properties. This amino acid position is conserved. In addition, this alteration is predicted to be tolerated by in silico analysis. Since supporting evidence is limited at this time, the clinical significance of this alteration remains unclear.

NM_001430.5(EPAS1):c.2354C>G (p.Pro785Arg)

Gene: EPAS1 (endothelial PAS domain protein 1; plus strand). Cytogenetic location: 2p21.
Variant type: single nucleotide variant.
Coding change: c.2354C>G on transcript NM_001430.5 (MANE Select); coding-DNA position 2354, C replaced by G.
Protein change: p.Pro785Arg; replaces proline 785 with arginine.
Molecular consequence: missense variant.
Genome position (GRCh38, 1-based): chr2:46,382,491, C>G. VCF-style: chr2-46382491-C-G. GRCh37 (hg19) VCF-style: chr2-46609630-C-G.
Other names: short protein forms P785R.
Identifiers: ClinVar variation 3221622 (VCV003221622.1), dbSNP rs2546480828, ClinGen allele CA346706093.
Genomic context (GRCh38, chr2:46,382,491, plus strand): 5'-TCACCCAAAACCCCATGAGGGGCCTGGGCCATCCCCTGAGACATCTGCCGCTGCCACAGC[C>G]TCCATCTGCCATCAGTCCCGGGGAGAACAGCAAGAGCAGGTTCCCCCCACAGTGCTACGC-3'
Protein context (NP_001421.2, residues 775-795): HPLRHLPLPQ[Pro785Arg]PSAISPGENS